The following is an entry in ClinVar:

NM_002098.6(GUCA1B):c.*488C>T

Gene: GUCA1B (guanylate cyclase activator 1B; minus strand). Cytogenetic location: 6p21.1.
Variant type: single nucleotide variant.
Coding change: c.*488C>T on transcript NM_002098.6 (MANE Select); 488 bases downstream of the stop codon, C replaced by T.
Molecular consequence: 3 prime UTR variant.
Genome position (GRCh38, 1-based): chr6:42,184,327, G>A on the plus strand (C>T on the coding strand, the complement: GUCA1B is on the minus strand). VCF-style: chr6-42184327-G-A. GRCh37 (hg19) VCF-style: chr6-42152065-G-A.
Identifiers: ClinVar variation 356719 (VCV000356719.7), dbSNP rs7764586, ClinGen allele CA10623888.

ClinVar aggregate classification (germline): Benign/Likely benign. Review status: criteria provided, multiple submitters, no conflicts (2 of 4 stars). 2 submissions from 2 submitters: Benign (1); Likely benign (1). Last evaluated 2018-01-13.

Conditions:
Retinitis pigmentosa (RP). Identifiers: Orphanet 791, MedGen C0035334, MeSH D012174, MONDO:0019200, OMIM 268000. Inheritance: Autosomal dominant, autosomal recessive and X linked inheritance.

Allele frequency attached by ClinVar (database versions not stated): gnomAD exomes 0.00417; gnomAD 0.01960 and 0.02085; 1000 Genomes Project 0.02236; TOPMed 0.02238; 1000 Genomes Project 30x 0.02311.
gnomAD v4.1: 3,227 of 214,826 alleles (1.5%); highest among the groups gnomAD compares: African/African-American, 6.3%; 88 homozygotes.

Submissions (2):

Illumina Laboratory Services, Illumina
Classification: Benign for Retinitis pigmentosa. Last evaluated: 2018-01-13. Review status: criteria provided, single submitter. Criteria: ICSL Variant Classification Criteria 13 December 2019. Collection method: clinical testing. Allele origin: germline.
Comment: This variant was observed in the ICSL laboratory as part of a predisposition screen in an ostensibly healthy population. It had not been previously curated by ICSL or reported in the Human Gene Mutation Database (HGMD: prior to June 1st, 2018), and was therefore a candidate for classification through an automated scoring system. Utilizing variant allele frequency, disease prevalence and penetrance estimates, and inheritance mode, an automated score was calculated to assess if this variant is too frequent to cause the disease. Based on the score and internal cut-off values, a variant classified as benign is not then subjected to further curation. The score for this variant resulted in a classification of benign for this disease.

Breakthrough Genomics
Classification: Likely benign. Review status: criteria provided, single submitter. Criteria: ACMG Guidelines, 2015. Collection method: not provided. Allele origin: germline. Inheritance: Unknown mechanism. Affected: yes.